The following is an entry in ClinVar:

NM_000143.4(FH):c.468C>T (p.Val156=)

Gene: FH (fumarate hydratase; minus strand). Cytogenetic location: 1q43.
Variant type: single nucleotide variant.
Coding change: c.468C>T on transcript NM_000143.4 (MANE Select); coding-DNA position 468, C replaced by T.
Protein change: p.Val156=; no amino-acid change (valine 156 retained).
Molecular consequence: synonymous variant.
Genome position (GRCh38, 1-based): chr1:241,512,054, G>A on the plus strand (C>T on the coding strand, the complement: FH is on the minus strand). VCF-style: chr1-241512054-G-A. GRCh37 (hg19) VCF-style: chr1-241675354-G-A.
Identifiers: ClinVar variation 3773221 (VCV003773221.1).
Genomic context (GRCh38, chr1:241,512,054, plus strand): 5'-ATGCACAGGTATCTTGCTGCCAAGTTCACCTCCTAACATTTCAATTGCTCTATTGCTAAT[G>A]ACTTCATTTACATTCATATTTGTCTGAGTTCCTGATCCAGTCTGCCATACCACGAGAGGA-3'
Protein context (NP_000134.2, residues 146-166): GTQTNMNVNE[Val156=]ISNRAIEMLG

ClinVar aggregate classification (germline): Benign (1 of 4 stars; one submission).

Conditions:
Hereditary leiomyomatosis and renal cell cancer. Also called: MULTIPLE CUTANEOUS AND UTERINE LEIOMYOMATA 1, WITH OR WITHOUT RENAL CELL CARCINOMA; LEIOMYOMA, MULTIPLE CUTANEOUS; FH tumor predisposition syndrome; Reed syndrome; Multiple cutaneous and uterine leiomyomatosis; Cutaneous leiomyomata with uterine leiomyomata. Identifiers: Orphanet 523, MedGen C1708350, MONDO:0007888, OMIM 150800, HP:0007437. Disease mechanism: loss of function.

Submission:

Myriad Genetics, Inc.
Classification: Benign for Hereditary leiomyomatosis and renal cell cancer. Last evaluated: 2024-10-18. Review status: criteria provided, single submitter. Criteria: Myriad Autosomal Dominant, Autosomal Recessive and X-Linked Classification Criteria (2023). Collection method: clinical testing. Allele origin: unknown.
Comment: This variant is considered benign. This variant is a silent/synonymous amino acid change and it is not expected to impact splicing.